The following is an entry in ClinVar:

NM_006014.5(LAGE3):c.95C>T (p.Ala32Val)

Genes: LAGE3 (L antigen family member 3; minus strand), LOC130068876 (ATAC-STARR-seq lymphoblastoid silent region 21109; plus strand). Cytogenetic location: Xq28.
Variant type: single nucleotide variant.
Coding change: c.95C>T on transcript NM_006014.5 (MANE Select); coding-DNA position 95, C replaced by T.
Protein change: p.Ala32Val; replaces alanine 32 with valine.
Molecular consequence: missense variant.
Genome position (GRCh38, 1-based): chrX:154,478,821, G>A on the plus strand (C>T on the coding strand, the complement: LAGE3 is on the minus strand). VCF-style: chrX-154478821-G-A. GRCh37 (hg19) VCF-style: chrX-153707160-G-A.
Other names: short protein forms A32V.
Identifiers: ClinVar variation 2637333 (VCV002637333.1), dbSNP rs782309060, ClinGen allele CA10565287.

ClinVar aggregate classification (germline): Uncertain significance (1 of 4 stars; one submission).

Conditions:
LAGE3-related disorder. Also called: LAGE3-related condition.

Allele frequency attached by ClinVar (database versions not stated): gnomAD exomes below 0.00001; ExAC 0.00006.
gnomAD v4.1: 2 of 1,114,581 alleles (0.00018%); highest among the groups gnomAD compares: Non-Finnish European, 0.00023%; no homozygotes.

Submission:

PreventionGenetics, part of Exact Sciences
Classification: Uncertain significance for LAGE3-related condition. Last evaluated: 2022-12-07. Review status: criteria provided, single submitter. Criteria: ACMG Guidelines, 2015. Collection method: clinical testing. Allele origin: germline.
Comment: The LAGE3 c.95C>T variant is predicted to result in the amino acid substitution p.Ala32Val. To our knowledge, this variant has not been reported in the literature. This variant is reported in 1 of ~63,000 alleles in gnomAD: However, the quality of data at this position is questionable and should be treated with caution. At this time, the clinical significance of this variant is uncertain due to the absence of conclusive functional and genetic evidence.